The following is an entry in ClinVar:

NM_005422.4(TECTA):c.5926A>C (p.Thr1976Pro)

Genes: TBCEL-TECTA (TBCEL-TECTA readthrough; plus strand), TECTA (tectorin alpha; plus strand). Cytogenetic location: 11q23.3.
Variant type: single nucleotide variant.
Coding change: c.5926A>C on transcript NM_005422.4 (MANE Select); coding-DNA position 5926, A replaced by C.
Protein change: p.Thr1976Pro; replaces threonine 1976 with proline.
Molecular consequence: missense variant.
Genome position (GRCh38, 1-based): chr11:121,168,852, A>C. VCF-style: chr11-121168852-A-C. GRCh37 (hg19) VCF-style: chr11-121039561-A-C.
Other names: c.6868A>C, p.Thr2290Pro (NM_001378761.1); short protein forms T1976P, T2290P.
Identifiers: ClinVar variation 3381713 (VCV003381713.1).

ClinVar aggregate classification (germline): Uncertain significance (1 of 4 stars; one submission).

Submission:

GeneDx
Classification: Uncertain significance. Last evaluated: 2024-05-23. Review status: criteria provided, single submitter. Criteria: GeneDx Variant Classification Process June 2021. Collection method: clinical testing. Allele origin: germline. Affected: yes.
Comment: Not observed at significant frequency in large population cohorts (gnomAD); In silico analysis indicates that this missense variant does not alter protein structure/function; Has not been previously published as pathogenic or benign to our knowledge; This variant is associated with the following publications: (PMID: 16718611, 21520338, 31554319, 9590290)